The following is an entry in ClinVar:

NM_000702.4(ATP1A2):c.1422G>A (p.Lys474=)

Gene: ATP1A2 (ATPase Na+/K+ transporting subunit alpha 2; plus strand). Cytogenetic location: 1q23.2.
Variant type: single nucleotide variant.
Coding change: c.1422G>A on transcript NM_000702.4 (MANE Select); coding-DNA position 1422, G replaced by A.
Protein change: p.Lys474=; no amino-acid change (lysine 474 retained).
Molecular consequence: synonymous variant.
Genome position (GRCh38, 1-based): chr1:160,129,361, G>A. VCF-style: chr1-160129361-G-A. GRCh37 (hg19) VCF-style: chr1-160099151-G-A.
Other names: c.1422G>A (NM_000702.3).
Identifiers: ClinVar variation 1120875 (VCV001120875.11), dbSNP rs144538744, ClinGen allele CA31497130.

ClinVar aggregate classification (germline): Likely benign. Review status: criteria provided, single submitter (1 of 4 stars). 2 submissions from 2 submitters: Likely benign (1). 1 of the submissions does not count toward it. Last evaluated 2025-10-01.

Conditions:
ATP1A2-related disorder. Also called: ATP1A2-RELATED DISORDERS; ATP1A2-related condition.
Familial hemiplegic migraine. Identifiers: MedGen C0338484, MONDO:0000700.

Allele frequency attached by ClinVar (database versions not stated): gnomAD 0.00001 and 0.00002; gnomAD exomes 0.00001; TOPMed 0.00002; ESP Exome Variant Server 0.00008.
gnomAD v4.1: 6 of 1,614,072 alleles (0.00037%); highest among the groups gnomAD compares: African/African-American, 0.0067%; no homozygotes.

Submissions (2):

Labcorp Genetics (formerly Invitae), Labcorp
Classification: Likely benign for Familial hemiplegic migraine. Last evaluated: 2025-10-01. Review status: criteria provided, single submitter. Criteria: Invitae Variant Classification Sherloc (09022015). Collection method: clinical testing. Allele origin: germline.

PreventionGenetics, part of Exact Sciences
Classification: Likely benign for ATP1A2-related condition. Last evaluated: 2024-08-15. Review status: no assertion criteria provided. Collection method: clinical testing. Allele origin: germline. Not counted in ClinVar's aggregate classification.
Comment: This variant is classified as likely benign based on ACMG/AMP sequence variant interpretation guidelines (Richards et al. 2015 PMID: 25741868, with internal and published modifications).